The following is an entry in ClinVar:

NM_182961.4(SYNE1):c.22896_22898del (p.Leu7633del)

Gene: SYNE1 (spectrin repeat containing nuclear envelope protein 1; minus strand). Cytogenetic location: 6q25.2.
Variant type: Deletion.
Coding change: c.22896_22898del on transcript NM_182961.4 (MANE Select); coding-DNA positions 22896 to 22898, 3 bases deleted (TCT; older notation c.22896_22898delTCT).
Protein change: p.Leu7633del; deletes leucine 7633.
Molecular consequence: inframe deletion.
Genome position (GRCh38, 1-based): chr6:152,206,289-152,206,291, AGA deleted on the plus strand (TCT on the coding strand, the reverse complement: SYNE1 is on the minus strand); deleting any 3 consecutive bases within chr6:152,206,289-152,206,293 gives the same sequence; the c. name uses the placement nearest the transcript's 3' end. VCF-style (leftmost placement, unchanged base first): chr6-152206288-GAGA-G. GRCh37 (hg19) VCF-style: chr6-152527423-GAGA-G.
Other names: c.22683_22685delTCT (NM_033071.3); c.22683_22685del, p.Leu7562del (NM_033071.5); c.22683_22685del (NM_033071.3); short protein forms L7633del, L7562del.
Identifiers: ClinVar variation 538382 (VCV000538382.12), dbSNP rs1360697609, ClinGen allele CA452747762.
Genomic context (GRCh38, chr6:152,206,288, plus strand): 5'-TTTCTCTTGGATTTCAGCGAGTTCGGCCTGCAAGGCGGCCTCAGCGCCACTGTCCGCCGA[GAGA>G]AGGAGTTGCTTGCCAGCCTCCACAGTCAGGATGTAGCTGCCTTGTTGCCGCAGAAACACT-3'

ClinVar aggregate classification (germline): Uncertain significance. Review status: criteria provided, multiple submitters, no conflicts (2 of 4 stars). 3 submissions from 3 submitters: Uncertain significance (3). Last evaluated 2024-01-01.

Conditions:
Autosomal recessive ataxia, Beauce type. Also called: SYNE1-Related Autosomal Recessive Cerebellar Ataxia; Spinocerebellar ataxia, autosomal recessive 8; ATAXIA, RECESSIVE, OF BEAUCE; SYNE1 Deficiency. Identifiers: Orphanet 88644, MedGen C1853116, MONDO:0012549, OMIM 610743.
Emery-Dreifuss muscular dystrophy 4, autosomal dominant (EDMD4). Also called: EMERY-DREIFUSS MUSCULAR DYSTROPHY 4 WITH VARIABLE FEATURES. Identifiers: Orphanet 261, MedGen C2751807, MONDO:0013071, OMIM 612998.

Submissions (3):

Labcorp Genetics (formerly Invitae), Labcorp
Classification: Uncertain significance for Emery-Dreifuss muscular dystrophy 4, autosomal dominant; Autosomal recessive ataxia, Beauce type. Last evaluated: 2024-01-01. Review status: criteria provided, single submitter. Criteria: Invitae Variant Classification Sherloc (09022015). Collection method: clinical testing. Allele origin: germline.
Comment: This variant, c.22683_22685del, results in the deletion of 1 amino acid(s) of the SYNE1 protein (p.Leu7562del), but otherwise preserves the integrity of the reading frame. This variant is present in population databases (no rsID available, gnomAD 0.01%). This variant has not been reported in the literature in individuals affected with SYNE1-related conditions. ClinVar contains an entry for this variant (Variation ID: 538382). Experimental studies and prediction algorithms are not available or were not evaluated, and the functional significance of this variant is currently unknown. In summary, the available evidence is currently insufficient to determine the role of this variant in disease. Therefore, it has been classified as a Variant of Uncertain Significance.

Athena Diagnostics
Classification: Uncertain significance. Last evaluated: 2022-06-10. Review status: criteria provided, single submitter. Criteria: Athena Diagnostics Criteria. Collection method: clinical testing. Allele origin: unknown.

Revvity Omics, Revvity
Classification: Uncertain significance. Last evaluated: 2021-06-24. Review status: criteria provided, single submitter. Criteria: ACMG Guidelines, 2015. Collection method: clinical testing. Allele origin: germline.